The following is an entry in ClinVar:

NM_018958.3(NPAP1):c.136C>T (p.Pro46Ser)

Gene: NPAP1 (nuclear pore associated protein 1; plus strand). Cytogenetic location: 15q11.2.
Variant type: single nucleotide variant.
Coding change: c.136C>T on transcript NM_018958.3 (MANE Select); coding-DNA position 136, C replaced by T.
Protein change: p.Pro46Ser; replaces proline 46 with serine.
Molecular consequence: missense variant.
Genome position (GRCh38, 1-based): chr15:24,676,003, C>T. VCF-style: chr15-24676003-C-T. GRCh37 (hg19) VCF-style: chr15-24921150-C-T.
Other names: short protein forms P46S.
Identifiers: ClinVar variation 789222 (VCV000789222.27), dbSNP rs199753715, ClinGen allele CA7430412.
Genomic context (GRCh38, chr15:24,676,003, plus strand): 5'-GCTCCCCTGTCCCGGGACGCCTCCCCGCCCGGTCGGGCTCACTCTGTACCCACCCCGCGC[C>T]CTTTCCGCGGCCTGTTCCGCCGGAACGCCCGTCGCAGGCCTTCAGCAGCCAGCATCTTCG-3'
Protein context (NP_061831.2, residues 36-56): GRAHSVPTPR[Pro46Ser]FRGLFRRNAR

ClinVar aggregate classification (germline): Likely benign. Review status: criteria provided, multiple submitters, no conflicts (2 of 4 stars). 3 submissions from 3 submitters: Likely benign (3). Last evaluated 2026-05-01.

Allele frequency attached by ClinVar (database versions not stated): 1000 Genomes Project 30x 0.00125; 1000 Genomes Project 0.00140; gnomAD exomes 0.00398 and 0.00745; ExAC 0.00414; TOPMed 0.00453; gnomAD 0.00487 and 0.00493; ESP Exome Variant Server 0.00529.
gnomAD v4.1: 11,537 of 1,600,666 alleles (0.72%); highest among the groups gnomAD compares: Non-Finnish European, 0.9%; 52 homozygotes.

Submissions (3):

CeGaT Center for Human Genetics Tuebingen
Classification: Likely benign. Last evaluated: 2026-05-01. Review status: criteria provided, single submitter. Criteria: CeGaT Center For Human Genetics Tuebingen Variant Classification Criteria Version 2. Collection method: clinical testing. Allele origin: germline. Affected: yes. Observed: 7 variant alleles.
Comment: NPAP1: BS2

Labcorp Genetics (formerly Invitae), Labcorp
Classification: Likely benign. Last evaluated: 2018-06-06. Review status: criteria provided, single submitter. Criteria: Invitae Variant Classification Sherloc (09022015). Collection method: clinical testing. Allele origin: germline.

Breakthrough Genomics
Classification: Likely benign. Review status: criteria provided, single submitter. Criteria: ACMG Guidelines, 2015. Collection method: not provided. Allele origin: germline. Inheritance: Unknown mechanism. Affected: yes.